The following is an entry in ClinVar:

NM_002834.5(PTPN11):c.330A>C (p.Glu110Asp)

Gene: PTPN11 (protein tyrosine phosphatase non-receptor type 11; plus strand). Cytogenetic location: 12q24.13.
Variant type: single nucleotide variant.
Coding change: c.330A>C on transcript NM_002834.5 (MANE Select); coding-DNA position 330, A replaced by C.
Protein change: p.Glu110Asp; replaces glutamic acid 110 with aspartic acid.
Molecular consequence: missense variant.
Genome position (GRCh38, 1-based): chr12:112,450,510, A>C. VCF-style: chr12-112450510-A-C. GRCh37 (hg19) VCF-style: chr12-112888314-A-C.
Other names: c.330A>C, p.Glu110Asp (NM_001330437.2, NM_080601.3); c.327A>C, p.Glu109Asp (NM_001374625.1); short protein forms E110D, E109D.
Identifiers: ClinVar variation 561745 (VCV000561745.3), dbSNP rs1566167244, ClinGen allele CA386778519.

ClinVar aggregate classification (germline): Conflicting classifications of pathogenicity. Review status: criteria provided, conflicting classifications (1 of 4 stars). 2 submissions from 2 submitters: Likely pathogenic (1); Uncertain significance (1). Last evaluated 2025-12-05.

Conditions:
RASopathy. Also called: Noonan spectrum disorder; rasopathies. Identifiers: Orphanet 536391, MedGen C5555857, MONDO:0021060.

Submissions (2):

Labcorp Genetics (formerly Invitae), Labcorp
Classification: Uncertain significance for RASopathy. Last evaluated: 2025-12-05. Review status: criteria provided, single submitter. Criteria: Invitae Variant Classification Sherloc (09022015). Collection method: clinical testing. Allele origin: germline.
Comment: This sequence change replaces glutamic acid, which is acidic and polar, with aspartic acid, which is acidic and polar, at codon 110 of the PTPN11 protein (p.Glu110Asp). This variant is not present in population databases (gnomAD no frequency). This variant has not been reported in the literature in individuals affected with PTPN11-related conditions. ClinVar contains an entry for this variant (Variation ID: 561745). Invitae Evidence Modeling of protein sequence and biophysical properties (such as structural, functional, and spatial information, amino acid conservation, physicochemical variation, residue mobility, and thermodynamic stability) has been performed for this missense variant. However, the output from this modeling did not meet the statistical confidence thresholds required to predict the impact of this variant on PTPN11 protein function. This variant disrupts the p.Glu110 amino acid residue in PTPN11. Other variant(s) that disrupt this residue have been determined to be pathogenic (PMID: 15001945). This suggests that this residue is clinically significant, and that variants that disrupt this residue are likely to be disease-causing. In summary, the available evidence is currently insufficient to determine the role of this variant in disease. Therefore, it has been classified as a Variant of Uncertain Significance.

GeneDx
Classification: Likely pathogenic. Last evaluated: 2023-03-19. Review status: criteria provided, single submitter. Criteria: GeneDx Variant Classification Process June 2021. Collection method: clinical testing. Allele origin: germline. Affected: yes.
Comment: Has not been previously published as pathogenic or benign to our knowledge; Not observed at significant frequency in large population cohorts (gnomAD); In silico analysis supports that this missense variant has a deleterious effect on protein structure/function; Missense variants in this gene are often considered pathogenic (HGMD)

Literature cited by the submitters: PubMed 15001945 (cited by Labcorp Genetics (formerly Invitae), Labcorp).